The following is an entry in ClinVar:

NM_017950.4(CCDC40):c.910G>A (p.Glu304Lys)

Gene: CCDC40 (coiled-coil domain 40 molecular ruler complex subunit; plus strand). Cytogenetic location: 17q25.3.
Variant type: single nucleotide variant.
Coding change: c.910G>A on transcript NM_017950.4 (MANE Select); coding-DNA position 910, G replaced by A.
Protein change: p.Glu304Lys; replaces glutamic acid 304 with lysine.
Molecular consequence: missense variant.
Genome position (GRCh38, 1-based): chr17:80,049,960, G>A. VCF-style: chr17-80049960-G-A. GRCh37 (hg19) VCF-style: chr17-78023759-G-A.
Other names: c.910G>A, p.Glu304Lys (NM_001243342.2, NM_001330508.2); short protein forms E304K.
Identifiers: ClinVar variation 967343 (VCV000967343.10), dbSNP rs757404529, ClinGen allele CA8813611.

ClinVar aggregate classification (germline): Uncertain significance (1 of 4 stars; one submission).

Conditions:
Primary ciliary dyskinesia. Also called: Ciliary dyskinesia. Identifiers: Orphanet 244, MedGen C0008780, MONDO:0016575, HP:0012265.

Allele frequency attached by ClinVar (database versions not stated): ExAC 0.00002; gnomAD exomes 0.00002; gnomAD 0.00003 and 0.00004; TOPMed 0.00003.
gnomAD v4.1: 20 of 1,613,974 alleles (0.0012%); highest among the groups gnomAD compares: East Asian, 0.0089%; no homozygotes.

Submission:

Labcorp Genetics (formerly Invitae), Labcorp
Classification: Uncertain significance for Primary ciliary dyskinesia. Last evaluated: 2024-10-22. Review status: criteria provided, single submitter. Criteria: Invitae Variant Classification Sherloc (09022015). Collection method: clinical testing. Allele origin: germline.
Comment: This sequence change replaces glutamic acid, which is acidic and polar, with lysine, which is basic and polar, at codon 304 of the CCDC40 protein (p.Glu304Lys). This variant is present in population databases (rs757404529, gnomAD 0.02%). This variant has not been reported in the literature in individuals affected with CCDC40-related conditions. ClinVar contains an entry for this variant (Variation ID: 967343). Invitae Evidence Modeling of protein sequence and biophysical properties (such as structural, functional, and spatial information, amino acid conservation, physicochemical variation, residue mobility, and thermodynamic stability) indicates that this missense variant is not expected to disrupt CCDC40 protein function with a negative predictive value of 80%. In summary, the available evidence is currently insufficient to determine the role of this variant in disease. Therefore, it has been classified as a Variant of Uncertain Significance.